The following is an entry in ClinVar:

NC_000023.10:g.(?_32235013)_(32490446_?)dup

Gene: DMD (dystrophin; minus strand). Cytogenetic location: Xp21.1.
Variant type: Duplication.
Identifiers: ClinVar variation 455826 (VCV000455826.9).

ClinVar aggregate classification (germline): Pathogenic (1 of 4 stars; one submission).

Conditions:
Duchenne muscular dystrophy (DMD). Also called: MUSCULAR DYSTROPHY, PSEUDOHYPERTROPHIC PROGRESSIVE, DUCHENNE TYPE; Duchenne Muscular Dystrophy (DMD). Identifiers: Orphanet 98896, MedGen C0013264, MONDO:0010679, OMIM 310200.

Submission:

Labcorp Genetics (formerly Invitae), Labcorp
Classification: Pathogenic for Duchenne muscular dystrophy. Last evaluated: 2018-09-12. Review status: criteria provided, single submitter. Criteria: Invitae Variant Classification Sherloc (09022015). Collection method: clinical testing. Allele origin: germline.
Comment: Loss-of-function variants in DMD are known to be pathogenic (PMID: 16770791, 25007885). Similar duplications have been reported in individuals affected with Duchenne muscular dystrophy (PMID: 19837995, Invitae). This variant is a gross duplication of the genomic region encompassing exons 22-44 of the DMD gene. While the exact position of the duplicated exons cannot be determined from this data, the duplicated copy of this region is likely in tandem and may result in an absent or disrupted protein product. For these reasons, this variant has been classified as Pathogenic.

Literature cited by the submitters: PubMed 16770791; PubMed 25007885; PubMed 19837995.